The following is an entry in ClinVar:

ClinVar aggregate classification (germline): Uncertain significance (1 of 4 stars; one submission).

Conditions:
Spastic paraplegia. Identifiers: MedGen C0037772, HP:0001258.

Allele frequency attached by ClinVar (database versions not stated): ExAC 0.00002; gnomAD 0.00002; TOPMed 0.00004; ESP Exome Variant Server 0.00015; 1000 Genomes Project 30x 0.00016; 1000 Genomes Project 0.00020.
gnomAD v4.1: 19 of 1,614,172 alleles (0.0012%); highest among the groups gnomAD compares: African/African-American, 0.0053%; no homozygotes.

Submission:

Labcorp Genetics (formerly Invitae), Labcorp
Classification: Uncertain significance for Spastic paraplegia. Last evaluated: 2021-12-02. Review status: criteria provided, single submitter. Criteria: Invitae Variant Classification Sherloc (09022015). Collection method: clinical testing. Allele origin: germline.
Comment: This sequence change replaces arginine, which is basic and polar, with glutamine, which is neutral and polar, at codon 198 of the ZFYVE26 protein (p.Arg198Gln). This variant is present in population databases (rs151178226, gnomAD 0.03%). This variant has not been reported in the literature in individuals affected with ZFYVE26-related conditions. Algorithms developed to predict the effect of missense changes on protein structure and function output the following: SIFT: "Tolerated"; PolyPhen-2: "Benign"; Align-GVGD: "Class C0". The glutamine amino acid residue is found in multiple mammalian species, which suggests that this missense change does not adversely affect protein function. In summary, the available evidence is currently insufficient to determine the role of this variant in disease. Therefore, it has been classified as a Variant of Uncertain Significance.

NM_015346.4(ZFYVE26):c.593G>A (p.Arg198Gln)

Gene: ZFYVE26 (zinc finger FYVE-type containing 26; minus strand). Cytogenetic location: 14q24.1.
Variant type: single nucleotide variant.
Coding change: c.593G>A on transcript NM_015346.4 (MANE Select); coding-DNA position 593, G replaced by A.
Protein change: p.Arg198Gln; replaces arginine 198 with glutamine.
Molecular consequence: missense variant.
Genome position (GRCh38, 1-based): chr14:67,807,691, C>T on the plus strand (G>A on the coding strand, the complement: ZFYVE26 is on the minus strand). VCF-style: chr14-67807691-C-T. GRCh37 (hg19) VCF-style: chr14-68274408-C-T.
Other names: short protein forms R198Q.
Identifiers: ClinVar variation 2155952 (VCV002155952.1), dbSNP rs151178226, ClinGen allele CA7240763.